The following is an entry in ClinVar:

NM_005035.4(POLRMT):c.1109C>T (p.Thr370Ile)

Gene: POLRMT (RNA polymerase mitochondrial; minus strand). Cytogenetic location: 19p13.3.
Variant type: single nucleotide variant.
Coding change: c.1109C>T on transcript NM_005035.4 (MANE Select); coding-DNA position 1109, C replaced by T.
Protein change: p.Thr370Ile; replaces threonine 370 with isoleucine.
Molecular consequence: missense variant. On other transcripts: non-coding transcript variant (1).
Genome position (GRCh38, 1-based): chr19:624,750, G>A on the plus strand (C>T on the coding strand, the complement: POLRMT is on the minus strand). VCF-style: chr19-624750-G-A. GRCh37 (hg19) VCF-style: chr19-624750-G-A.
Other names: c.1109C>T, p.Thr370Ile (NM_001407830.1, NM_001407832.1, NM_001407805.1 and 10 more transcripts); c.785C>T, p.Thr262Ile (NM_001407831.1, NM_001407833.1, NM_001407834.1 and 2 more transcripts); c.1067C>T, p.Thr356Ile (NM_001407811.1, NM_001407813.1); short protein forms T262I, T356I, T370I.
Identifiers: ClinVar variation 4880919 (VCV004880919.2).
Genomic context (GRCh38, chr19:624,750, plus strand): 5'-GAAGTCTGCCGGGGCCCACGTGGGCTCACCTTGGCATACACGTCCCTGAGCAGCTTGGAG[G>A]TGTTGACCGGGGGCGGCAGCTGCGGCGGGAGGCTGAAGGTGGGCTTCACCTTGTGCACGG-3'
Protein context (NP_005026.3, residues 360-380): LPPQLPPPVN[Thr370Ile]SKLLRDVYAK

ClinVar aggregate classification (germline): Uncertain significance (1 of 4 stars; one submission).

Conditions:
Combined oxidative phosphorylation deficiency 55 (COXPD55). Identifiers: MedGen C5676915, MONDO:0859228, OMIM 619743.

gnomAD v4.1: 7 of 1,613,926 alleles (0.00043%); highest among the groups gnomAD compares: Non-Finnish European, 0.00059%; no homozygotes.

Submission:

Dasa
Classification: Uncertain significance for Combined oxidative phosphorylation deficiency 55. Last evaluated: 2025-09-04. Review status: criteria provided, single submitter. Criteria: DASA Assertion Criteria. Collection method: clinical testing. Allele origin: germline.
Comment: NM_005035.4(POLRMT):c.1109C>T (p.Thr370Ile) is a missense variant that results in the substitution of threonine with isoleucine. This variant is rare in population databases. Computational prediction algorithms are consistent with a benign effect. The currently available literature and clinical evidence are not sufficient to establish a definitive association between this variant and the reported condition. Therefore, this variant is classified as a variant of uncertain significance.